The following is an entry in ClinVar:

NM_000257.4(MYH7):c.2004C>G (p.His668Gln)

Gene: MYH7 (myosin heavy chain 7; minus strand). Cytogenetic location: 14q11.2.
Variant type: single nucleotide variant.
Coding change: c.2004C>G on transcript NM_000257.4 (MANE Select); coding-DNA position 2004, C replaced by G.
Protein change: p.His668Gln; replaces histidine 668 with glutamine.
Molecular consequence: missense variant.
Genome position (GRCh38, 1-based): chr14:23,426,817, G>C on the plus strand (C>G on the coding strand, the complement: MYH7 is on the minus strand). VCF-style: chr14-23426817-G-C. GRCh37 (hg19) VCF-style: chr14-23896026-G-C.
Other names: short protein forms H668Q.
Identifiers: ClinVar variation 955999 (VCV000955999.10), dbSNP rs1892712315, ClinGen allele CA389049342.

ClinVar aggregate classification (germline): Uncertain significance. Review status: criteria provided, multiple submitters, no conflicts (2 of 4 stars). 2 submissions from 2 submitters: Uncertain significance (2). Last evaluated 2025-09-05.

Conditions:
Cardiovascular phenotype. Identifiers: MedGen CN230736.
Hypertrophic cardiomyopathy. Also called: HYPERTROPHIC MYOCARDIOPATHY. Identifiers: Orphanet 217569, MedGen C0007194, MeSH D002312, MONDO:0005045, HP:0001639.

Submissions (2):

Ambry Genetics
Classification: Uncertain significance for Cardiovascular phenotype. Last evaluated: 2025-09-05. Review status: criteria provided, single submitter. Criteria: Ambry Variant Classification Scheme 2023. Collection method: clinical testing. Allele origin: germline.
Comment: The p.H668Q variant (also known as c.2004C>G), located in coding exon 16 of the MYH7 gene, results from a C to G substitution at nucleotide position 2004. The histidine at codon 668 is replaced by glutamine, an amino acid with highly similar properties. This alteration is located in the myosin head domain, which contains a statistically significant clustering of pathogenic missense variants (Homburger JR et al. Proc Natl Acad Sci U S A, 2016 06;113:6701-6; Walsh R et al. Genet Med, 2017 02;19:192-203; Ambry internal data). This amino acid position is highly conserved in available vertebrate species. In addition, this alteration is predicted to be deleterious by in silico analysis. Based on the available evidence, the clinical significance of this variant remains unclear.

Labcorp Genetics (formerly Invitae), Labcorp
Classification: Uncertain significance for Hypertrophic cardiomyopathy. Last evaluated: 2019-10-26. Review status: criteria provided, single submitter. Criteria: Invitae Variant Classification Sherloc (09022015). Collection method: clinical testing. Allele origin: germline.
Comment: Algorithms developed to predict the effect of missense changes on protein structure and function are either unavailable or do not agree on the potential impact of this missense change (SIFT: "Deleterious"; PolyPhen-2: "Probably Damaging"; Align-GVGD: "Class C15"). This sequence change replaces histidine with glutamine at codon 668 of the MYH7 protein (p.His668Gln). The histidine residue is highly conserved and there is a small physicochemical difference between histidine and glutamine. This variant is not present in population databases (ExAC no frequency). This variant has not been reported in the literature in individuals with MYH7-related conditions. Algorithms developed to predict the effect of sequence changes on RNA splicing suggest that this variant may create or strengthen a splice site, but this prediction has not been confirmed by published transcriptional studies. This variant is found within a region of MYH7 between codons 181 and 937 that contains the majority of the myosin head domain. Missense variants in this region have been shown to be significantly overrepresented in individuals with hypertrophic cardiomyopathy (PMID: 27532257). In summary, the available evidence is currently insufficient to determine the role of this variant in disease. Therefore, it has been classified as a Variant of Uncertain Significance.

Literature cited by the submitters: PubMed 27532257 (cited by Labcorp Genetics (formerly Invitae), Labcorp).